The following is an entry in ClinVar:

ClinVar aggregate classification (germline): Uncertain significance (1 of 4 stars; one submission).

Conditions:
Hereditary cancer-predisposing syndrome. Also called: Neoplastic Syndromes, Hereditary; Tumor predisposition; Hereditary Cancer Syndrome; Hereditary neoplastic syndrome. Identifiers: Orphanet 140162, MedGen C0027672, MeSH D009386, MONDO:0015356.

Submission:

Ambry Genetics
Classification: Uncertain significance for Hereditary cancer-predisposing syndrome. Last evaluated: 2026-01-30. Review status: criteria provided, single submitter. Criteria: Ambry Variant Classification Scheme 2023. Collection method: clinical testing. Allele origin: germline.
Comment: The c.423+4A>G intronic variant results from an A to G substitution 4 nucleotides after coding exon 5 in the POLE gene. This nucleotide position is not well conserved in available vertebrate species. In silico splice site analysis predicts that this alteration may weaken the native splice donor site. Based on the available evidence, the clinical significance of this variant remains unclear.

NM_006231.4(POLE):c.423+4A>G

Gene: POLE (DNA polymerase epsilon, catalytic subunit; minus strand). Cytogenetic location: 12q24.33.
Variant type: single nucleotide variant.
Coding change: c.423+4A>G on transcript NM_006231.4 (MANE Select); 4 bases into the intron after coding-DNA position 423, A replaced by G.
Molecular consequence: intron variant.
Genome position (GRCh38, 1-based): chr12:132,679,950, T>C on the plus strand (A>G on the coding strand, the complement: POLE is on the minus strand). VCF-style: chr12-132679950-T-C. GRCh37 (hg19) VCF-style: chr12-133256536-T-C.
Identifiers: ClinVar variation 4844250 (VCV004844250.1).